The following is an entry in ClinVar:

NM_005228.5(EGFR):c.351T>A (p.Tyr117Ter)

Gene: EGFR (epidermal growth factor receptor; plus strand). Cytogenetic location: 7p11.2.
Variant type: single nucleotide variant.
Coding change: c.351T>A on transcript NM_005228.5 (MANE Select); coding-DNA position 351, T replaced by A.
Protein change: p.Tyr117Ter; replaces tyrosine 117 with a stop codon.
Molecular consequence: nonsense. On other transcripts: intron variant (1).
Genome position (GRCh38, 1-based): chr7:55,143,415, T>A. VCF-style: chr7-55143415-T-A. GRCh37 (hg19) VCF-style: chr7-55211108-T-A.
Other names: p.Tyr117*; c.351T>A, p.Tyr117Ter (NM_001346897.2, NM_001346898.2, NM_001346899.2 and 3 more transcripts); c.192T>A, p.Tyr64Ter (NM_001346900.2); c.89-12415T>A (NM_001346941.2); short protein forms Y117*, Y64*.
Identifiers: ClinVar variation 3379765 (VCV003379765.3).

ClinVar aggregate classification (germline): Conflicting classifications of pathogenicity. Review status: criteria provided, conflicting classifications (1 of 4 stars). 2 submissions from 2 submitters: Pathogenic (1); Uncertain significance (1). Last evaluated 2025-08-18.

Conditions:
EGFR-related lung cancer (EGFR). Identifiers: MedGen CN130014.

Submissions (2):

Labcorp Genetics (formerly Invitae), Labcorp
Classification: Pathogenic for EGFR-related lung cancer. Last evaluated: 2025-08-18. Review status: criteria provided, single submitter. Criteria: Invitae Variant Classification Sherloc (09022015). Collection method: clinical testing. Allele origin: germline.
Comment: This sequence change creates a premature translational stop signal (p.Tyr117*) in the EGFR gene. It is expected to result in an absent or disrupted protein product. Loss-of-function variants in EGFR are known to be pathogenic (PMID: 7630400, 28726809, 29899996). This variant is not present in population databases (gnomAD no frequency). This variant has not been reported in the literature in individuals affected with EGFR-related conditions. ClinVar contains an entry for this variant (Variation ID: 3379765). For these reasons, this variant has been classified as Pathogenic.

Mayo Clinic Laboratories, Mayo Clinic
Classification: Uncertain significance. Last evaluated: 2024-03-12. Review status: criteria provided, single submitter. Criteria: ACMG Guidelines, 2015. Collection method: clinical testing. Allele origin: germline. Observed: 1 variant allele.
Comment: PM2_moderate

Literature cited by the submitters: PubMed 7630400 (cited by Labcorp Genetics (formerly Invitae), Labcorp); PubMed 28726809 (cited by Labcorp Genetics (formerly Invitae), Labcorp); PubMed 29899996 (cited by Labcorp Genetics (formerly Invitae), Labcorp).